The following is an entry in ClinVar:

NM_001044385.3(TMEM237):c.413_420del (p.Glu138fs)

Gene: TMEM237 (transmembrane protein 237; minus strand). Cytogenetic location: 2q33.1.
Variant type: Deletion.
Coding change: c.413_420del on transcript NM_001044385.3 (MANE Select); coding-DNA positions 413 to 420, 8 bases deleted (AATTACAG; older notation c.413_420delAATTACAG).
Protein change: p.Glu138fs; shifts the reading frame from glutamic acid 138.
Molecular consequence: frameshift variant.
Genome position (GRCh38, 1-based): chr2:201,632,184-201,632,191, CTGTAATT deleted on the plus strand (AATTACAG on the coding strand, the reverse complement: TMEM237 is on the minus strand); deleting any 8 consecutive bases within chr2:201,632,184-201,632,194 gives the same sequence; the c. name uses the placement nearest the transcript's 3' end. VCF-style (leftmost placement, unchanged base first): chr2-201632183-ACTGTAATT-A. GRCh37 (hg19) VCF-style: chr2-202496906-ACTGTAATT-A.
Other names: c.389_396del, p.Glu130fs (NM_152388.4); short protein forms E130fs, E138fs.
Identifiers: ClinVar variation 2188320 (VCV002188320.4), dbSNP rs2469498201, ClinGen allele CA2580065468.

ClinVar aggregate classification (germline): Pathogenic (1 of 4 stars; one submission).

Conditions:
Joubert syndrome 14 (JBTS14). Identifiers: MedGen C3280766, MONDO:0013745, OMIM 614424.

Submission:

Labcorp Genetics (formerly Invitae), Labcorp
Classification: Pathogenic for Joubert syndrome 14. Last evaluated: 2022-10-05. Review status: criteria provided, single submitter. Criteria: Invitae Variant Classification Sherloc (09022015). Collection method: clinical testing. Allele origin: germline.
Comment: For these reasons, this variant has been classified as Pathogenic. This variant has not been reported in the literature in individuals affected with TMEM237-related conditions. This variant is not present in population databases (gnomAD no frequency). This sequence change creates a premature translational stop signal (p.Glu138Valfs*4) in the TMEM237 gene. It is expected to result in an absent or disrupted protein product. Loss-of-function variants in TMEM237 are known to be pathogenic (PMID: 22152675).

Literature cited by the submitters: PubMed 22152675.